The following is an entry in ClinVar:

ClinVar aggregate classification (germline): Uncertain significance (1 of 4 stars; one submission).

Allele frequency attached by ClinVar (database versions not stated): gnomAD exomes below 0.00001.
gnomAD v4.1: 1 of 1,606,754 alleles (0.000062%); highest among the groups gnomAD compares: East Asian, 0.0022%; no homozygotes.

Submission:

CeGaT Center for Human Genetics Tuebingen
Classification: Uncertain significance. Last evaluated: 2024-01-01. Review status: criteria provided, single submitter. Criteria: CeGaT Center For Human Genetics Tuebingen Variant Classification Criteria Version 2. Collection method: clinical testing. Allele origin: germline. Affected: yes. Observed: 1 variant allele.
Comment: AIRE: PM2

NM_000383.4(AIRE):c.962C>A (p.Ala321Asp)

Gene: AIRE (autoimmune regulator; plus strand). Cytogenetic location: 21q22.3.
Variant type: single nucleotide variant.
Coding change: c.962C>A on transcript NM_000383.4 (MANE Select); coding-DNA position 962, C replaced by A.
Protein change: p.Ala321Asp; replaces alanine 321 with aspartic acid.
Molecular consequence: missense variant.
Genome position (GRCh38, 1-based): chr21:44,291,177, C>A. VCF-style: chr21-44291177-C-A. GRCh37 (hg19) VCF-style: chr21-45711060-C-A.
Other names: short protein forms A321D.
Identifiers: ClinVar variation 3027055 (VCV003027055.22), dbSNP rs2517882165, ClinGen allele CA410424963.